The following continues an entry in ClinVar:

NM_183050.4(BCKDHB):c.832G>A (p.Gly278Ser)

Gene: BCKDHB. ClinVar aggregate classification (germline): Pathogenic/Likely pathogenic. Pathogenic (15); Likely pathogenic (3).

Submissions 17 to 20 of 20:

National Newborn Screening Laboratory, Hospital Nacional de Niños
Classification: Pathogenic for Maple syrup urine disease type 1A. Review status: criteria provided, single submitter. Criteria: ACMG Guidelines, 2015. Collection method: clinical testing. Allele origin: maternal. Inheritance: Autosomal recessive inheritance. Affected: yes. Observed: 2 compound heterozygotes. Segregation with disease observed.
Comment: This is a missense variant located within exon 7 and generates a change from the aminoacid Glycine to a Serine in position 278. It is present in population databases in low frequency (GnomAD exomes: 0.00055; ExAc: 0.00048). This variant has been published in the literature associated with individuals with MSUD ( PMID: 11509994, PMID: 14517957, PMID: 17922217).

Rady Children's Institute for Genomic Medicine, Rady Children's Hospital San Diego
Classification: Pathogenic for MAPLE SYRUP URINE DISEASE. Review status: criteria provided, single submitter. Criteria: ACMG Guidelines, 2015. Collection method: clinical testing. Allele origin: germline. Affected: yes.
Comment: This variant has been previously reported in multiple individuals with maple syrup urine disease (MSUD) (PMID: 11509994â€š 14517957â€š 17922217, 14567968, 20307994). The c.832G>A (p.Gly278Ser) variant is present in the heterozygous state in the gnomAD population database at a frequency of 0.058% (164/282184). It affects a highly conserved amino acid and is predicted by multiple in silico tools to have a deleterious effect on protein function. Based on the available evidence, the c.832G>A (p.Gly278Ser) variant is classified as Pathogenic.

PreventionGenetics, part of Exact Sciences
Classification: Pathogenic for BCKDHB-related condition. Last evaluated: 2024-05-03. Review status: no assertion criteria provided. Collection method: clinical testing. Allele origin: germline. Not counted in ClinVar's aggregate classification.
Comment: The BCKDHB c.832G>A variant is predicted to result in the amino acid substitution p.Gly278Ser. This variant has been reported in the homozygous and compound heterozygous states in multiple individuals with maple syrup urine disease (see for example, Edelmann et al. 2001. PubMed ID: 11509994; Table 2, Flaschker et al. 2007. PubMed ID: 17922217; Puckett et al. 2009. PubMed ID: 20307994). This variant is reported in 0.29% of alleles in individuals of European (Finnish) descent in gnomAD. In vitro experimental studies suggest this variant, in the compound heterozygous state, reduces enzymatic activity (Table 2, Nellis et al. 2003. PubMed ID: 14567968; Table 2, Flaschker et al. 2007. PubMed ID: 17922217). This variant is interpreted as pathogenic.

GeneReviews
No classification provided. Condition: Maple syrup urine disease. Review status: no classification provided. Collection method: literature only. Allele origin: unknown. Not counted in ClinVar's aggregate classification.

Literature cited by the submitters: PubMed 11509994 (cited by 4 submitters); PubMed 14567968 (cited by 4 submitters); PubMed 17922217 (cited by 5 submitters); PubMed 20307994 (cited by 5 submitters); PubMed 14517957 (cited by 4 submitters); PubMed 30014008 (cited by Natera, Inc. and Dasa); PubMed 38957900 (cited by Natera, Inc.); PubMed 20301495 (cited by GeneReviews); NCBI Bookshelf NBK1319 (cited by GeneReviews).